The following is an entry in ClinVar:

NM_001792.5(CDH2):c.607G>A (p.Asp203Asn)

Gene: CDH2 (cadherin 2; minus strand). Cytogenetic location: 18q12.1.
Variant type: single nucleotide variant.
Coding change: c.607G>A on transcript NM_001792.5 (MANE Select); coding-DNA position 607, G replaced by A.
Protein change: p.Asp203Asn; replaces aspartic acid 203 with asparagine.
Molecular consequence: missense variant.
Genome position (GRCh38, 1-based): chr18:28,009,812, C>T on the plus strand (G>A on the coding strand, the complement: CDH2 is on the minus strand). VCF-style: chr18-28009812-C-T. GRCh37 (hg19) VCF-style: chr18-25589776-C-T.
Other names: c.514G>A, p.Asp172Asn (NM_001308176.2); short protein forms D172N, D203N.
Identifiers: ClinVar variation 4531016 (VCV004531016.2).

ClinVar aggregate classification (germline): Uncertain significance (1 of 4 stars; one submission).

Submission:

GeneDx
Classification: Uncertain significance. Last evaluated: 2026-09-09. Review status: criteria provided, single submitter. Criteria: GeneDx Variant Classification Process June 2021. Collection method: clinical testing. Allele origin: germline.
Comment: Not observed at significant frequency in large population cohorts (gnomAD); In silico analysis supports that this missense variant has a deleterious effect on protein structure/function; Has not been previously published as pathogenic or benign to our knowledge